The following is an entry in ClinVar:

NM_014009.4(FOXP3):c.248G>A (p.Gly83Glu)

Gene: FOXP3 (forkhead box P3; minus strand). Cytogenetic location: Xp11.23.
Variant type: single nucleotide variant.
Coding change: c.248G>A on transcript NM_014009.4 (MANE Select); coding-DNA position 248, G replaced by A.
Protein change: p.Gly83Glu; replaces glycine 83 with glutamic acid.
Molecular consequence: missense variant. On other transcripts: intron variant (1).
Genome position (GRCh38, 1-based): chrX:49,257,731, C>T on the plus strand (G>A on the coding strand, the complement: FOXP3 is on the minus strand). VCF-style: chrX-49257731-C-T. GRCh37 (hg19) VCF-style: chrX-49114188-C-T.
Other names: c.211-166G>A (NM_001114377.2); short protein forms G83E.
Identifiers: ClinVar variation 2977418 (VCV002977418.3), dbSNP rs1442990167, ClinGen allele CA412953554.

ClinVar aggregate classification (germline): Uncertain significance (1 of 4 stars; one submission).

Conditions:
Insulin-dependent diabetes mellitus secretory diarrhea syndrome (IPEX). Also called: Immune dysregulation-polyendocrinopathy-enteropathy-X-linked syndrome; Immunodysregulation, polyendocrinopathy, and enteropathy, X-linked; IPEX and IPEX-Like; DIABETES MELLITUS, CONGENITAL INSULIN-DEPENDENT, WITH FATAL SECRETORY DIARRHEA; DIARRHEA, POLYENDOCRINOPATHY, FATAL INFECTION SYNDROME, X-LINKED; ENTEROPATHY, AUTOIMMUNE, WITH HEMOLYTIC ANEMIA AND POLYENDOCRINOPATHY. Identifiers: Orphanet 37042, MedGen C0342288, MONDO:0010580, OMIM 304790. Disease mechanism: loss of function.

Allele frequency attached by ClinVar (database versions not stated): TOPMed below 0.00001.

Submission:

Labcorp Genetics (formerly Invitae), Labcorp
Classification: Uncertain significance for Insulin-dependent diabetes mellitus secretory diarrhea syndrome. Last evaluated: 2022-12-20. Review status: criteria provided, single submitter. Criteria: Invitae Variant Classification Sherloc (09022015). Collection method: clinical testing. Allele origin: germline.
Comment: This variant has not been reported in the literature in individuals affected with FOXP3-related conditions. This variant is not present in population databases (gnomAD no frequency). This sequence change replaces glycine, which is neutral and non-polar, with glutamic acid, which is acidic and polar, at codon 83 of the FOXP3 protein (p.Gly83Glu). Advanced modeling of protein sequence and biophysical properties (such as structural, functional, and spatial information, amino acid conservation, physicochemical variation, residue mobility, and thermodynamic stability) performed at Invitae indicates that this missense variant is not expected to disrupt FOXP3 protein function. In summary, the available evidence is currently insufficient to determine the role of this variant in disease. Therefore, it has been classified as a Variant of Uncertain Significance.